The following is an entry in ClinVar:

ClinVar aggregate classification (germline): Uncertain significance. Review status: criteria provided, multiple submitters, no conflicts (2 of 4 stars). 3 submissions from 3 submitters: Uncertain significance (3). Last evaluated 2023-11-28.

Conditions:
Nephrotic syndrome, type 9 (NPHS9). Identifiers: Orphanet 656, MedGen C3809965, MONDO:0014257, OMIM 615573.

Allele frequency attached by ClinVar (database versions not stated): ExAC 0.00001; gnomAD 0.00001; gnomAD exomes 0.00001; TOPMed 0.00003.

Submissions (3):

GeneDx
Classification: Uncertain significance. Last evaluated: 2023-11-28. Review status: criteria provided, single submitter. Criteria: GeneDx Variant Classification Process June 2021. Collection method: clinical testing. Allele origin: germline. Affected: yes.
Comment: In silico analysis supports that this missense variant has a deleterious effect on protein structure/function; Has not been previously published as pathogenic or benign to our knowledge

Revvity Omics, Revvity
Classification: Uncertain significance for Nephrotic syndrome, type 9. Last evaluated: 2021-09-02. Review status: criteria provided, single submitter. Criteria: ACMG Guidelines, 2015. Collection method: clinical testing. Allele origin: germline.

Baylor Genetics
Classification: Uncertain significance for Nephrotic syndrome, type 9. Last evaluated: 2019-08-23. Review status: criteria provided, single submitter. Criteria: ACMG Guidelines, 2015. Collection method: clinical testing. Allele origin: unknown. Affected: yes.
Comment: This variant was determined to be of uncertain significance according to ACMG Guidelines, 2015 [PMID:25741868].

NM_024876.4(COQ8B):c.1552C>T (p.Arg518Cys)

Gene: COQ8B (coenzyme Q8B; minus strand). Cytogenetic location: 19q13.2.
Variant type: single nucleotide variant.
Coding change: c.1552C>T on transcript NM_024876.4 (MANE Select); coding-DNA position 1552, C replaced by T.
Protein change: p.Arg518Cys; replaces arginine 518 with cysteine.
Molecular consequence: missense variant.
Genome position (GRCh38, 1-based): chr19:40,692,118, G>A on the plus strand (C>T on the coding strand, the complement: COQ8B is on the minus strand). VCF-style: chr19-40692118-G-A. GRCh37 (hg19) VCF-style: chr19-41198023-G-A.
Other names: c.1429C>T, p.Arg477Cys (NM_001142555.3); short protein forms R518C, R477C.
Identifiers: ClinVar variation 1028349 (VCV001028349.5), dbSNP rs746915084, ClinGen allele CA9449978.